The following is an entry in ClinVar:

NM_020937.4(FANCM):c.5951A>G (p.Tyr1984Cys)

Gene: FANCM (FA complementation group M; plus strand). Cytogenetic location: 14q21.2.
Variant type: single nucleotide variant.
Coding change: c.5951A>G on transcript NM_020937.4 (MANE Select); coding-DNA position 5951, A replaced by G.
Protein change: p.Tyr1984Cys; replaces tyrosine 1984 with cysteine.
Molecular consequence: missense variant.
Genome position (GRCh38, 1-based): chr14:45,198,878, A>G. VCF-style: chr14-45198878-A-G. GRCh37 (hg19) VCF-style: chr14-45668081-A-G.
Other names: c.5873A>G, p.Tyr1958Cys (NM_001308133.2); short protein forms Y1984C, Y1958C.
Identifiers: ClinVar variation 3512927 (VCV003512927.1).

ClinVar aggregate classification (germline): Uncertain significance (1 of 4 stars; one submission).

Conditions:
Inborn genetic diseases. Identifiers: MedGen C0950123, MeSH D030342.

Submission:

Ambry Genetics
Classification: Uncertain significance for Inborn genetic diseases. Last evaluated: 2024-11-25. Review status: criteria provided, single submitter. Criteria: Ambry Variant Classification Scheme 2023. Collection method: clinical testing. Allele origin: germline.
Comment: The p.Y1984C variant (also known as c.5951A>G), located in coding exon 22 of the FANCM gene, results from an A to G substitution at nucleotide position 5951. The tyrosine at codon 1984 is replaced by cysteine, an amino acid with highly dissimilar properties. This amino acid position is conserved. In addition, this alteration is predicted to be tolerated by in silico analysis. Based on the available evidence, the clinical significance of this variant remains unclear.